The following is an entry in ClinVar:

ClinVar aggregate classification (germline): Uncertain significance (1 of 4 stars; one submission).

Submission:

GeneDx
Classification: Uncertain significance. Last evaluated: 2024-03-06. Review status: criteria provided, single submitter. Criteria: GeneDx Variant Classification Process June 2021. Collection method: clinical testing. Allele origin: germline. Affected: yes.
Comment: Not observed at significant frequency in large population cohorts (gnomAD); In silico analysis supports that this missense variant has a deleterious effect on protein structure/function; Has not been previously published as pathogenic or benign to our knowledge

NM_000168.6(GLI3):c.407C>T (p.Pro136Leu)

Gene: GLI3 (GLI family zinc finger 3; minus strand). Cytogenetic location: 7p14.1.
Variant type: single nucleotide variant.
Coding change: c.407C>T on transcript NM_000168.6 (MANE Select); coding-DNA position 407, C replaced by T.
Protein change: p.Pro136Leu; replaces proline 136 with leucine.
Molecular consequence: missense variant.
Genome position (GRCh38, 1-based): chr7:42,076,818, G>A on the plus strand (C>T on the coding strand, the complement: GLI3 is on the minus strand). VCF-style: chr7-42076818-G-A. GRCh37 (hg19) VCF-style: chr7-42116417-G-A.
Other names: short protein forms P136L.
Identifiers: ClinVar variation 3373703 (VCV003373703.1).
Genomic context (GRCh38, chr7:42,076,818, plus strand): 5'-AATGGAGGAATCGGAGATGGATCGTAATGGTAACGGCCCTCATGATGTCTGGCATCAATT[G>A]GTACAGGAGGATGGAAGGCAGGGAAAAGATGAGGAGGGTCTGAAAAGAAGAGAGAGCCCA-3'
Protein context (NP_000159.3, residues 126-146): HLFPAFHPPV[Pro136Leu]IDARHHEGRY